The following is an entry in ClinVar:

NM_000642.3(AGL):c.1900-6T>C

Gene: AGL (amylo-alpha-1,6-glucosidase and 4-alpha-glucanotransferase; plus strand). Cytogenetic location: 1p21.2.
Variant type: single nucleotide variant.
Coding change: c.1900-6T>C on transcript NM_000642.3 (MANE Select); 6 bases into the intron before coding-DNA position 1900, T replaced by C.
Molecular consequence: intron variant.
Genome position (GRCh38, 1-based): chr1:99,881,070, T>C. VCF-style: chr1-99881070-T-C. GRCh37 (hg19) VCF-style: chr1-100346626-T-C.
Other names: c.1900-6T>C (NM_000643.3, NM_000644.3, NM_001425326.1 and 2 more transcripts); c.1852-6T>C (NM_000646.3); c.1699-6T>C (NM_001425327.1); c.1696-6T>C (NM_001425328.1, NM_001425329.1); c.1522-6T>C (NM_001425332.1).
Identifiers: ClinVar variation 384584 (VCV000384584.13), dbSNP rs749096703, ClinGen allele CA966635.
Genomic context (GRCh38, chr1:99,881,070, plus strand): 5'-TGCTATAGAATAGCACTTTGCATTTGAAAGAAAGCAAACTTTTGCTTTGTTGTTGTTGTC[T>C]TCTAGCATAGATCAGCGTATGATGCTCTTCCAAGTACTACAATTGTTTCTATGGCATGTT-3'

ClinVar aggregate classification (germline): Likely benign. Review status: criteria provided, multiple submitters, no conflicts (2 of 4 stars). 5 submissions from 5 submitters: Likely benign (4). 1 of the submissions does not count toward it. Last evaluated 2026-01-26.

Conditions:
Glycogen storage disease type III (GSD3). Also called: Cori disease; FORBES DISEASE. Identifiers: Orphanet 366, MedGen C0017922, MONDO:0009291, OMIM 232400.
AGL-related disorder. Also called: AGL-related condition.

Allele frequency attached by ClinVar (database versions not stated): ExAC 0.00001; TOPMed 0.00001; gnomAD 0.00002; gnomAD exomes 0.00002.
gnomAD v4.1: 28 of 1,611,920 alleles (0.0017%); highest among the groups gnomAD compares: Non-Finnish European, 0.0024%; no homozygotes.

Submissions (5):

Labcorp Genetics (formerly Invitae), Labcorp
Classification: Likely benign for Glycogen storage disease type III. Last evaluated: 2026-01-26. Review status: criteria provided, single submitter. Criteria: Invitae Variant Classification Sherloc (09022015). Collection method: clinical testing. Allele origin: germline.

Genome-Nilou Lab
Classification: Likely benign for Glycogen storage disease type III. Last evaluated: 2023-04-11. Review status: criteria provided, single submitter. Criteria: ACMG Guidelines, 2015. Collection method: clinical testing. Allele origin: germline. Affected: no.

Blueprint Genetics
Classification: Likely benign. Last evaluated: 2022-01-31. Review status: criteria provided, single submitter. Criteria: ACMG Guidelines, 2015. Collection method: clinical testing. Allele origin: germline.

GeneDx
Classification: Likely benign. Last evaluated: 2016-03-28. Review status: criteria provided, single submitter. Criteria: GeneDx Variant Classification (06012015). Collection method: clinical testing. Allele origin: germline. Affected: yes.
Comment: This variant is considered likely benign or benign based on one or more of the following criteria: it is a conservative change, it occurs at a poorly conserved position in the protein, it is predicted to be benign by multiple in silico algorithms, and/or has population frequency not consistent with disease.

PreventionGenetics, part of Exact Sciences
Classification: Likely benign for AGL-related condition. Last evaluated: 2022-11-22. Review status: no assertion criteria provided. Collection method: clinical testing. Allele origin: germline. Not counted in ClinVar's aggregate classification.
Comment: This variant is classified as likely benign based on ACMG/AMP sequence variant interpretation guidelines (Richards et al. 2015 PMID: 25741868, with internal and published modifications).